The following is an entry in ClinVar:

ClinVar aggregate classification (germline): Uncertain significance (1 of 4 stars; one submission).

Submission:

Labcorp Genetics (formerly Invitae), Labcorp
Classification: Uncertain significance. Last evaluated: 2025-04-19. Review status: criteria provided, single submitter. Criteria: Invitae Variant Classification Sherloc (09022015). Collection method: clinical testing. Allele origin: germline.
Comment: This sequence change replaces valine, which is neutral and non-polar, with isoleucine, which is neutral and non-polar, at codon 182 of the SLC10A2 protein (p.Val182Ile). This variant is not present in population databases (gnomAD no frequency). This variant has not been reported in the literature in individuals affected with SLC10A2-related conditions. Invitae Evidence Modeling of protein sequence and biophysical properties (such as structural, functional, and spatial information, amino acid conservation, physicochemical variation, residue mobility, and thermodynamic stability) indicates that this missense variant is not expected to disrupt SLC10A2 protein function with a negative predictive value of 80%. In summary, the available evidence is currently insufficient to determine the role of this variant in disease. Therefore, it has been classified as a Variant of Uncertain Significance.

NM_000452.3(SLC10A2):c.544G>A (p.Val182Ile)

Gene: SLC10A2 (solute carrier family 10 member 2; minus strand). Cytogenetic location: 13q33.1.
Variant type: single nucleotide variant.
Coding change: c.544G>A on transcript NM_000452.3 (MANE Select); coding-DNA position 544, G replaced by A.
Protein change: p.Val182Ile; replaces valine 182 with isoleucine.
Molecular consequence: missense variant.
Genome position (GRCh38, 1-based): chr13:103,052,661, C>T on the plus strand (G>A on the coding strand, the complement: SLC10A2 is on the minus strand). VCF-style: chr13-103052661-C-T. GRCh37 (hg19) VCF-style: chr13-103705011-C-T.
Other names: short protein forms V182I.
Identifiers: ClinVar variation 4781424 (VCV004781424.1).
Genomic context (GRCh38, chr13:103,052,661, plus strand): 5'-TGTGAACTGGGATACTTACTTTAAGTATGATCTTTGCTTTTTGGGGCCATTTGTGATTAA[C>T]AAACATTCCAATGGAAACAGGAACAACGAGAGAAACCAGAGATGTACCTAAAGATGACAG-3'
Protein context (NP_000443.2, residues 172-192): LVVPVSIGMF[Val182Ile]NHKWPQKAKI